The following is an entry in ClinVar:

NM_004260.4(RECQL4):c.1472G>A (p.Arg491Gln)

Gene: RECQL4 (RecQ like helicase 4; minus strand). Cytogenetic location: 8q24.3.
Variant type: single nucleotide variant.
Coding change: c.1472G>A on transcript NM_004260.4 (MANE Select); coding-DNA position 1472, G replaced by A.
Protein change: p.Arg491Gln; replaces arginine 491 with glutamine.
Molecular consequence: missense variant.
Genome position (GRCh38, 1-based): chr8:144,515,161, C>T on the plus strand (G>A on the coding strand, the complement: RECQL4 is on the minus strand). VCF-style: chr8-144515161-C-T. GRCh37 (hg19) VCF-style: chr8-145740545-C-T.
Other names: short protein forms R491Q.
Identifiers: ClinVar variation 406983 (VCV000406983.11), dbSNP rs777256889, ClinGen allele CA4948849.

ClinVar aggregate classification (germline): Uncertain significance. Review status: criteria provided, multiple submitters, no conflicts (2 of 4 stars). 3 submissions from 3 submitters: Uncertain significance (3). Last evaluated 2025-08-26.

Conditions:
Inborn genetic diseases. Identifiers: MedGen C0950123, MeSH D030342.
Baller-Gerold syndrome (BGS). Also called: CRANIOSYNOSTOSIS WITH RADIAL DEFECTS. Identifiers: Orphanet 1225, MedGen C0265308, MONDO:0009039, OMIM 218600.
Rothmund-Thomson syndrome (RTS). Also called: Poikiloderma Congenitale; Poikiloderma of Rothmund-Thomson. Identifiers: Orphanet 2909, MedGen C0032339, MONDO:0010002.
Rapadilino syndrome. Identifiers: Orphanet 3021, MedGen C1849453, MONDO:0009955, OMIM 266280.

Allele frequency attached by ClinVar (database versions not stated): ExAC below 0.00001; gnomAD exomes 0.00001 and 0.00002; TOPMed 0.00001.

Submissions (3):

Labcorp Genetics (formerly Invitae), Labcorp
Classification: Uncertain significance for Baller-Gerold syndrome. Last evaluated: 2025-08-26. Review status: criteria provided, single submitter. Criteria: Invitae Variant Classification Sherloc (09022015). Collection method: clinical testing. Allele origin: germline.
Comment: This sequence change replaces arginine, which is basic and polar, with glutamine, which is neutral and polar, at codon 491 of the RECQL4 protein (p.Arg491Gln). This variant is present in population databases (rs777256889, gnomAD 0.004%). This variant has not been reported in the literature in individuals affected with RECQL4-related conditions. ClinVar contains an entry for this variant (Variation ID: 406983). Invitae Evidence Modeling of protein sequence and biophysical properties (such as structural, functional, and spatial information, amino acid conservation, physicochemical variation, residue mobility, and thermodynamic stability) indicates that this missense variant is not expected to disrupt RECQL4 protein function with a negative predictive value of 80%. In summary, the available evidence is currently insufficient to determine the role of this variant in disease. Therefore, it has been classified as a Variant of Uncertain Significance.

Ambry Genetics
Classification: Uncertain significance for Inborn genetic diseases. Last evaluated: 2024-11-22. Review status: criteria provided, single submitter. Criteria: Ambry Variant Classification Scheme 2023. Collection method: clinical testing. Allele origin: germline.
Comment: The p.R491Q variant (also known as c.1472G>A), located in coding exon 8 of the RECQL4 gene, results from a G to A substitution at nucleotide position 1472. The arginine at codon 491 is replaced by glutamine, an amino acid with highly similar properties. This amino acid position is conserved. In addition, this alteration is predicted to be tolerated by in silico analysis. Based on the available evidence, the clinical significance of this variant remains unclear.

Fulgent Genetics
Classification: Uncertain significance for Baller-Gerold syndrome; Rapadilino syndrome; Rothmund-Thomson syndrome type 2. Last evaluated: 2018-10-31. Review status: criteria provided, single submitter. Criteria: ACMG Guidelines, 2015. Collection method: clinical testing. Allele origin: unknown.